The following is an entry in ClinVar:

NC_000011.9:g.(?_93529566)_(93545240_?)del

Gene: MED17 (mediator complex subunit 17; plus strand). Cytogenetic location: 11q21.
Variant type: Deletion.
Identifiers: ClinVar variation 1511991 (VCV001511991.6).

ClinVar aggregate classification (germline): Likely pathogenic (1 of 4 stars; one submission).

Submission:

Labcorp Genetics (formerly Invitae), Labcorp
Classification: Likely pathogenic. Last evaluated: 2021-04-06. Review status: criteria provided, single submitter. Criteria: Invitae Variant Classification Sherloc (09022015). Collection method: clinical testing. Allele origin: germline.
Comment: In summary, the currently available evidence indicates that the variant is pathogenic, but additional data are needed to prove that conclusively. Therefore, this variant has been classified as Likely Pathogenic. This variant disrupts the p.Leu371Pro amino acid residue in MED17. Other variant(s) that disrupt this residue have been determined to be pathogenic (PMID: 20950787, 20950787, 26240385). This suggests that this residue is clinically significant, and that variants that disrupt this residue are likely to be disease-causing. This variant has not been reported in the literature in individuals with MED17-related conditions. This variant is a gross deletion of the genomic region encompassing exon(s) 7-12 of the MED17 gene. The 5' boundary is likely confined to intron 6. The 3' end of this event is unknown as it extends through the termination codon beyond the assayed region for this gene and may encompass additional genes. While this deletion is not anticipated to lead to nonsense mediated decay, it is expected to alter mRNA translation or result in a truncated protein product.

Literature cited by the submitters: PubMed 20950787; PubMed 26240385.